The following is an entry in ClinVar:

ClinVar aggregate classification (germline): Pathogenic (1 of 4 stars; one submission).

Conditions:
Hereditary breast ovarian cancer syndrome. Also called: Hereditary breast and ovarian cancer; Hereditary breast and ovarian cancer syndrome; Hereditary breast and/or ovarian cancer syndrome; Hereditary breast and ovarian cancer syndrome (HBOC); Breast and ovarian cancer; BRCA1- and BRCA2-Associated Hereditary Breast and Ovarian Cancer. Identifiers: Orphanet 145, MedGen C0677776, MeSH D061325, MONDO:0003582. Disease mechanism: loss of function.

Submission:

Women's Health and Genetics/Laboratory Corporation of America, LabCorp
Classification: Pathogenic for Hereditary breast ovarian cancer syndrome. Last evaluated: 2025-11-19. Review status: criteria provided, single submitter. Criteria: LabCorp Variant Classification Summary - May 2015. Collection method: clinical testing. Allele origin: germline.
Comment: Variant summary: The variant involves the deletion of exons 5-6 in the PALB2 gene. A presumed nomenclature of c.(1684+1_1685-1)_(2586+1_2587-1)del has been designated for the purposes of this classification. This Copy Number Variant (CNV) is expected to alter the reading frame and predicted to result in a truncation or absence of the encoded protein due to nonsense mediated decay (NMD). Loss-of-function variants in this gene are known to be pathogenic. The variant was absent in 21694 control chromosomes. c.(1684+1_1685-1)_(2586+1_2587-1)del has been observed in individual(s) affected with Breast Cancer and Fanconi Anemia (e.g. De Angelis_2021, Toksoy_2020). These data indicate that the variant is likely associated with disease. The following publications have been ascertained in the context of this evaluation (PMID: 33718150, 33224012). ClinVar contains an entry for this variant (Variation ID: 2426867). Based on the evidence outlined above, the variant was classified as pathogenic.

Literature cited by the submitters: PubMed 33224012; PubMed 33718150.

NC_000016.9:g.(23637719_23640524)_(23641791_23646182)del

Gene: PALB2 (partner and localizer of BRCA2; minus strand). Cytogenetic location: 16p12.2.
Variant type: Deletion.
Identifiers: ClinVar variation 4537320 (VCV004537320.1).